The following is an entry in ClinVar:

ClinVar aggregate classification (germline): Uncertain significance (1 of 4 stars; one submission).

Conditions:
Hereditary cancer-predisposing syndrome. Also called: Hereditary neoplastic syndrome; Neoplastic Syndromes, Hereditary; Tumor predisposition; Hereditary Cancer Syndrome. Identifiers: Orphanet 140162, MedGen C0027672, MeSH D009386, MONDO:0015356.

Submission:

Ambry Genetics
Classification: Uncertain significance for Hereditary cancer-predisposing syndrome. Last evaluated: 2025-02-28. Review status: criteria provided, single submitter. Criteria: Ambry Variant Classification Scheme 2023. Collection method: clinical testing. Allele origin: germline.
Comment: The p.G1018D variant (also known as c.3053G>A), located in coding exon 18 of the ALK gene, results from a G to A substitution at nucleotide position 3053. The glycine at codon 1018 is replaced by aspartic acid, an amino acid with similar properties. This amino acid position is well conserved in available vertebrate species. In addition, this alteration is predicted to be tolerated by in silico analysis. Based on the available evidence, the clinical significance of this variant remains unclear.

NM_004304.5(ALK):c.3053G>A (p.Gly1018Asp)

Gene: ALK (ALK receptor tyrosine kinase; minus strand). Cytogenetic location: 2p23.2.
Variant type: single nucleotide variant.
Coding change: c.3053G>A on transcript NM_004304.5 (MANE Select); coding-DNA position 3053, G replaced by A.
Protein change: p.Gly1018Asp; replaces glycine 1018 with aspartic acid.
Molecular consequence: missense variant.
Genome position (GRCh38, 1-based): chr2:29,226,936, C>T on the plus strand (G>A on the coding strand, the complement: ALK is on the minus strand). VCF-style: chr2-29226936-C-T. GRCh37 (hg19) VCF-style: chr2-29449802-C-T.
Other names: short protein forms G1018D.
Identifiers: ClinVar variation 3854156 (VCV003854156.1).